The following is an entry in ClinVar:

ClinVar aggregate classification (germline): Uncertain significance (1 of 4 stars; one submission).

gnomAD v4.1: 2 of 1,583,252 alleles (0.00013%); highest among the groups gnomAD compares: Non-Finnish European, 0.00017%; no homozygotes.

Submission:

Labcorp Genetics (formerly Invitae), Labcorp
Classification: Uncertain significance. Last evaluated: 2025-05-05. Review status: criteria provided, single submitter. Criteria: Invitae Variant Classification Sherloc (09022015). Collection method: clinical testing. Allele origin: germline.
Comment: This sequence change affects codon 144 of the MAFB mRNA. It is a 'silent' change, meaning that it does not change the encoded amino acid sequence of the MAFB protein. The frequency data for this variant in the population databases is considered unreliable, as metrics indicate poor data quality at this position in the gnomAD database. This variant has not been reported in the literature in individuals affected with MAFB-related conditions. In summary, the available evidence is currently insufficient to determine the role of this variant in disease. Therefore, it has been classified as a Variant of Uncertain Significance.

NM_005461.5(MAFB):c.432G>A (p.Ala144=)

Gene: MAFB (MAF bZIP transcription factor B; minus strand). Cytogenetic location: 20q12.
Variant type: single nucleotide variant.
Coding change: c.432G>A on transcript NM_005461.5 (MANE Select); coding-DNA position 432, G replaced by A.
Protein change: p.Ala144=; no amino-acid change (alanine 144 retained).
Molecular consequence: synonymous variant.
Genome position (GRCh38, 1-based): chr20:40,688,419, C>T on the plus strand (G>A on the coding strand, the complement: MAFB is on the minus strand). VCF-style: chr20-40688419-C-T. GRCh37 (hg19) VCF-style: chr20-39317059-C-T.
Identifiers: ClinVar variation 4745667 (VCV004745667.1).